The following is an entry in ClinVar:

NM_017636.4(TRPM4):c.1847C>T (p.Ala616Val)

Gene: TRPM4 (transient receptor potential cation channel subfamily M member 4; plus strand). Cytogenetic location: 19q13.33.
Variant type: single nucleotide variant.
Coding change: c.1847C>T on transcript NM_017636.4 (MANE Select); coding-DNA position 1847, C replaced by T.
Protein change: p.Ala616Val; replaces alanine 616 with valine.
Molecular consequence: missense variant.
Genome position (GRCh38, 1-based): chr19:49,188,744, C>T. VCF-style: chr19-49188744-C-T. GRCh37 (hg19) VCF-style: chr19-49692001-C-T.
Other names: c.1847C>T, p.Ala616Val (NM_001195227.2); c.1502C>T, p.Ala501Val (NM_001321281.2); c.239C>T, p.Ala80Val (NM_001321282.2); c.1325C>T, p.Ala442Val (NM_001321283.2); c.785C>T, p.Ala262Val (NM_001321285.2); short protein forms A262V, A442V, A501V, A616V, A80V.
Identifiers: ClinVar variation 3703856 (VCV003703856.2).

ClinVar aggregate classification (germline): Uncertain significance (1 of 4 stars; one submission).

Conditions:
Progressive familial heart block type IB (PFHB1B). Identifiers: Orphanet 871, MedGen C1970298, MONDO:0011474, OMIM 604559.

gnomAD v4.1: 4 of 1,614,200 alleles (0.00025%); highest among the groups gnomAD compares: South Asian, 0.0011%; no homozygotes.

Submission:

Labcorp Genetics (formerly Invitae), Labcorp
Classification: Uncertain significance for Progressive familial heart block type IB. Last evaluated: 2024-02-29. Review status: criteria provided, single submitter. Criteria: Invitae Variant Classification Sherloc (09022015). Collection method: clinical testing. Allele origin: germline.
Comment: This sequence change replaces alanine, which is neutral and non-polar, with valine, which is neutral and non-polar, at codon 616 of the TRPM4 protein (p.Ala616Val). This variant is not present in population databases (gnomAD no frequency). This variant has not been reported in the literature in individuals affected with TRPM4-related conditions. An algorithm developed to predict the effect of missense changes on protein structure and function (PolyPhen-2) suggests that this variant is likely to be disruptive. In summary, the available evidence is currently insufficient to determine the role of this variant in disease. Therefore, it has been classified as a Variant of Uncertain Significance.